The following is an entry in ClinVar:

NM_001206927.2(DNAH8):c.763-1G>A

Gene: DNAH8 (dynein axonemal heavy chain 8; plus strand). Cytogenetic location: 6p21.2.
Variant type: single nucleotide variant.
Coding change: c.763-1G>A on transcript NM_001206927.2 (MANE Select); the canonical splice acceptor site of the intron before coding-DNA position 763, G replaced by A.
Molecular consequence: splice acceptor variant.
Genome position (GRCh38, 1-based): chr6:38,737,066, G>A. VCF-style: chr6-38737066-G-A. GRCh37 (hg19) VCF-style: chr6-38704842-G-A.
Other names: c.112-1G>A (NM_001371.4).
Identifiers: ClinVar variation 656924 (VCV000656924.7), dbSNP rs1582865345, ClinGen allele CA363986405.

ClinVar aggregate classification (germline): Likely pathogenic (1 of 4 stars; one submission).

Conditions:
Primary ciliary dyskinesia. Also called: Ciliary dyskinesia. Identifiers: Orphanet 244, MedGen C0008780, MONDO:0016575, HP:0012265.

Allele frequency attached by ClinVar (database versions not stated): gnomAD exomes below 0.00001; gnomAD 0.00001.
gnomAD v4.1: 6 of 1,513,526 alleles (0.0004%); highest among the groups gnomAD compares: Admixed American, 0.0076%; no homozygotes.

Submission:

Labcorp Genetics (formerly Invitae), Labcorp
Classification: Likely pathogenic for Primary ciliary dyskinesia. Last evaluated: 2023-10-25. Review status: criteria provided, single submitter. Criteria: Invitae Variant Classification Sherloc (09022015). Collection method: clinical testing. Allele origin: germline.
Comment: This sequence change affects an acceptor splice site in intron 5 of the DNAH8 gene. It is expected to disrupt RNA splicing. Variants that disrupt the donor or acceptor splice site typically lead to a loss of protein function (PMID: 16199547), and loss-of-function variants in DNAH8 are known to be pathogenic (PMID: 24307375, 32619401, 32681648). This variant is not present in population databases (gnomAD no frequency). This variant has not been reported in the literature in individuals affected with DNAH8-related conditions. ClinVar contains an entry for this variant (Variation ID: 656924). Algorithms developed to predict the effect of sequence changes on RNA splicing suggest that this variant may disrupt the consensus splice site. In summary, the currently available evidence indicates that the variant is pathogenic, but additional data are needed to prove that conclusively. Therefore, this variant has been classified as Likely Pathogenic.

Literature cited by the submitters: PubMed 16199547; PubMed 24307375; PubMed 32619401; PubMed 32681648.